The following is an entry in ClinVar:

NM_002890.3(RASA1):c.335G>C (p.Gly112Ala)

Gene: RASA1 (RAS p21 protein activator 1; plus strand). Cytogenetic location: 5q14.3.
Variant type: single nucleotide variant.
Coding change: c.335G>C on transcript NM_002890.3 (MANE Select); coding-DNA position 335, G replaced by C.
Protein change: p.Gly112Ala; replaces glycine 112 with alanine.
Molecular consequence: missense variant.
Genome position (GRCh38, 1-based): chr5:87,268,786, G>C. VCF-style: chr5-87268786-G-C. GRCh37 (hg19) VCF-style: chr5-86564603-G-C.
Other names: short protein forms G112A.
Identifiers: ClinVar variation 2723152 (VCV002723152.4), dbSNP rs1422855651, ClinGen allele CA360417195.

ClinVar aggregate classification (germline): Uncertain significance. Review status: criteria provided, multiple submitters, no conflicts (2 of 4 stars). 2 submissions from 2 submitters: Uncertain significance (2). Last evaluated 2024-08-11.

Conditions:
Capillary malformation-arteriovenous malformation syndrome. Also called: Capillary malformation-arteriovenous malformation. Identifiers: Orphanet 137667, MedGen C1842180, MONDO:0012016.
Cardiovascular phenotype. Identifiers: MedGen CN230736.

Allele frequency attached by ClinVar (database versions not stated): gnomAD exomes below 0.00001; TOPMed below 0.00001.
gnomAD v4.1: 1 of 1,614,088 alleles (0.000062%); highest among the groups gnomAD compares: African/African-American, 0.0013%; no homozygotes.

Submissions (2):

Ambry Genetics
Classification: Uncertain significance for Cardiovascular phenotype. Last evaluated: 2024-08-11. Review status: criteria provided, single submitter. Criteria: Ambry Variant Classification Scheme 2023. Collection method: clinical testing. Allele origin: germline.
Comment: The p.G112A variant (also known as c.335G>C), located in coding exon 1 of the RASA1 gene, results from a G to C substitution at nucleotide position 335. The glycine at codon 112 is replaced by alanine, an amino acid with similar properties. This amino acid position is conserved. In addition, this alteration is predicted to be tolerated by in silico analysis. Based on the available evidence, the clinical significance of this variant remains unclear.

Labcorp Genetics (formerly Invitae), Labcorp
Classification: Uncertain significance for Capillary malformation-arteriovenous malformation syndrome. Last evaluated: 2023-04-22. Review status: criteria provided, single submitter. Criteria: Invitae Variant Classification Sherloc (09022015). Collection method: clinical testing. Allele origin: germline.
Comment: This sequence change replaces glycine, which is neutral and non-polar, with alanine, which is neutral and non-polar, at codon 112 of the RASA1 protein (p.Gly112Ala). An algorithm developed to predict the effect of missense changes on protein structure and function (PolyPhen-2) suggests that this variant is likely to be disruptive. This variant has not been reported in the literature in individuals affected with RASA1-related conditions. This variant is present in population databases (no rsID available, gnomAD 0.007%). In summary, the available evidence is currently insufficient to determine the role of this variant in disease. Therefore, it has been classified as a Variant of Uncertain Significance.